The following is an entry in ClinVar:

NM_001364564.1(SALL2):c.930G>A (p.Gln310=)

Gene: SALL2 (spalt like transcription factor 2; minus strand). Cytogenetic location: 14q11.2.
Variant type: single nucleotide variant.
Coding change: c.930G>A on transcript NM_001364564.1 (MANE Select); coding-DNA position 930, G replaced by A.
Protein change: p.Gln310=; no amino-acid change (glutamine 310 retained).
Molecular consequence: synonymous variant.
Genome position (GRCh38, 1-based): chr14:21,524,792, C>T on the plus strand (G>A on the coding strand, the complement: SALL2 is on the minus strand). VCF-style: chr14-21524792-C-T. GRCh37 (hg19) VCF-style: chr14-21992926-C-T.
Other names: c.531G>A, p.Gln177= (NM_001291446.2); c.525G>A, p.Gln175= (NM_001291447.2); c.936G>A, p.Gln312= (NM_005407.3).
Identifiers: ClinVar variation 3053675 (VCV003053675.2), dbSNP rs775331087, ClinGen allele CA7093750.

ClinVar aggregate classification (germline): Likely benign (0 of 4 stars; one submission).

Conditions:
SALL2-related disorder. Also called: SALL2-related condition.

Allele frequency attached by ClinVar (database versions not stated): ExAC 0.00002; gnomAD 0.00002; TOPMed 0.00003.

Submission:

PreventionGenetics, part of Exact Sciences
Classification: Likely benign for SALL2-related condition. Last evaluated: 2019-08-27. Review status: no assertion criteria provided. Collection method: clinical testing. Allele origin: germline.
Comment: This variant is classified as likely benign based on ACMG/AMP sequence variant interpretation guidelines (Richards et al. 2015 PMID: 25741868, with internal and published modifications).